The following is an entry in ClinVar:

ClinVar aggregate classification (germline): Conflicting classifications of pathogenicity. Review status: criteria provided, conflicting classifications (1 of 4 stars). 5 submissions from 5 submitters: Uncertain significance (4); Likely benign (1). Last evaluated 2025-09-17.

Conditions:
Hereditary cancer-predisposing syndrome. Also called: Tumor predisposition; Hereditary Cancer Syndrome; Hereditary neoplastic syndrome; Neoplastic Syndromes, Hereditary. Identifiers: Orphanet 140162, MedGen C0027672, MeSH D009386, MONDO:0015356.
Hereditary breast ovarian cancer syndrome. Also called: Breast and ovarian cancer; Hereditary breast and ovarian cancer; Hereditary breast and/or ovarian cancer syndrome; BRCA1- and BRCA2-Associated Hereditary Breast and Ovarian Cancer; Hereditary breast and ovarian cancer syndrome (HBOC); Hereditary breast and ovarian cancer syndrome. Identifiers: Orphanet 145, MedGen C0677776, MeSH D061325, MONDO:0003582. Disease mechanism: loss of function.

Submissions (5):

Color Diagnostics, LLC DBA Color Health
Classification: Uncertain significance for Hereditary cancer-predisposing syndrome. Last evaluated: 2025-09-17. Review status: criteria provided, single submitter. Criteria: ACMG Guidelines, 2015. Collection method: clinical testing. Allele origin: germline.
Comment: This missense variant replaces isoleucine with methionine at codon 1117 of the BRCA2 protein. Computational prediction suggests that this variant may not impact protein structure and function. To our knowledge, functional studies have not been reported for this variant. This variant has not been reported in individuals affected with BRCA2-related disorders in the literature. This variant has not been identified in the general population by the Genome Aggregation Database (gnomAD). The available evidence is insufficient to determine the role of this variant in disease conclusively. Therefore, this variant is classified as a Variant of Uncertain Significance.

Labcorp Genetics (formerly Invitae), Labcorp
Classification: Uncertain significance for Hereditary breast ovarian cancer syndrome. Last evaluated: 2025-09-08. Review status: criteria provided, single submitter. Criteria: Invitae Variant Classification Sherloc (09022015). Collection method: clinical testing. Allele origin: germline.
Comment: This sequence change replaces isoleucine, which is neutral and non-polar, with methionine, which is neutral and non-polar, at codon 1117 of the BRCA2 protein (p.Ile1117Met). This variant is not present in population databases (gnomAD no frequency). This variant has not been reported in the literature in individuals affected with BRCA2-related conditions. ClinVar contains an entry for this variant (Variation ID: 182199). Invitae Evidence Modeling of protein sequence and biophysical properties (such as structural, functional, and spatial information, amino acid conservation, physicochemical variation, residue mobility, and thermodynamic stability) indicates that this missense variant is not expected to disrupt BRCA2 protein function with a negative predictive value of 95%. In summary, the available evidence is currently insufficient to determine the role of this variant in disease. Therefore, it has been classified as a Variant of Uncertain Significance.

Ambry Genetics
Classification: Uncertain significance for Hereditary cancer-predisposing syndrome. Last evaluated: 2024-05-08. Review status: criteria provided, single submitter. Criteria: Ambry Variant Classification Scheme 2023. Collection method: clinical testing. Allele origin: germline.
Comment: The p.I1117M variant (also known as c.3351A>G), located in coding exon 10 of the BRCA2 gene, results from an A to G substitution at nucleotide position 3351. The isoleucine at codon 1117 is replaced by methionine, an amino acid with highly similar properties. This amino acid position is highly conserved in available vertebrate species. In addition, this alteration is predicted to be tolerated by in silico analysis. Based on the available evidence, the clinical significance of this variant remains unclear.

University of Washington Department of Laboratory Medicine, University of Washington
Classification: Likely benign for Hereditary cancer-predisposing syndrome. Last evaluated: 2023-03-23. Review status: criteria provided, single submitter. Criteria: Dines et al. (Genet Med. 2020). Collection method: curation. Allele origin: germline.
Comment: Missense variant in a coldspot region where missense variants are very unlikely to be pathogenic (PMID:31911673).

BRCA2 exon 11 coldspot. Reclassification based on statistical prior probability.

GeneDx
Classification: Uncertain significance. Last evaluated: 2014-09-12. Review status: criteria provided, single submitter. Criteria: GeneDx Variant Classification (06012015). Collection method: clinical testing. Allele origin: germline. Affected: yes.
Comment: This variant is denoted BRCA2 c.3351A>G at the cDNA level, p.Ile1117Met (I1117M) at the protein level, and results in the change of an Isoleucine to a Methionine (ATA>ATG). This variant, also known as 3579A>G using alternate nomenclature, has not, to our knowledge, been published in the literature as pathogenic or benign. BRCA2 Ile1117Met was not observed in approximately 6,500 individuals of European and African American ancestry in the NHLBI Exome Sequencing Project, indicating it is not a common benign variant in these populations. Since Isoleucine and Methionine share similar properties, this is considered a conservative amino acid substitution. BRCA2 Ile1117Met occurs at a position that is well conserved across species and is not located in a known functional domain. In silico analyses are inconsistent regarding the effect this variant may have on protein structure and function. Based on currently available information, it is unclear whether BRCA2 Ile1117Met is pathogenic or benign. We consider it to be a variant of uncertain significance.

NM_000059.4(BRCA2):c.3351A>G (p.Ile1117Met)

Gene: BRCA2 (BRCA2 DNA repair associated; plus strand). Cytogenetic location: 13q13.1.
Variant type: single nucleotide variant.
Coding change: c.3351A>G on transcript NM_000059.4 (MANE Select); coding-DNA position 3351, A replaced by G.
Protein change: p.Ile1117Met; replaces isoleucine 1117 with methionine.
Molecular consequence: missense variant.
Genome position (GRCh38, 1-based): chr13:32,337,706, A>G. VCF-style: chr13-32337706-A-G. GRCh37 (hg19) VCF-style: chr13-32911843-A-G.
Other names: p.I1117M:ATA>ATG; short protein forms I1117M.
Identifiers: ClinVar variation 182199 (VCV000182199.19), dbSNP rs730881522, ClinGen allele CA017825.